The following is an entry in ClinVar:

NM_000443.4(ABCB4):c.2413G>A (p.Asp805Asn)

Gene: ABCB4 (ATP binding cassette subfamily B member 4; minus strand). Cytogenetic location: 7q21.12.
Variant type: single nucleotide variant.
Coding change: c.2413G>A on transcript NM_000443.4 (MANE Select); coding-DNA position 2413, G replaced by A.
Protein change: p.Asp805Asn; replaces aspartic acid 805 with asparagine.
Molecular consequence: missense variant.
Genome position (GRCh38, 1-based): chr7:87,418,602, C>T on the plus strand (G>A on the coding strand, the complement: ABCB4 is on the minus strand). VCF-style: chr7-87418602-C-T. GRCh37 (hg19) VCF-style: chr7-87047918-C-T.
Other names: c.2413G>A, p.Asp805Asn (NM_018849.3, NM_018850.3); short protein forms D805N.
Identifiers: ClinVar variation 1950192 (VCV001950192.5), dbSNP rs769649884, ClinGen allele CA4327014.

ClinVar aggregate classification (germline): Uncertain significance (1 of 4 stars; one submission).

Allele frequency attached by ClinVar (database versions not stated): gnomAD exomes below 0.00001; ExAC 0.00001; TOPMed 0.00001.
gnomAD v4.1: 1 of 1,614,094 alleles (0.000062%); highest among the groups gnomAD compares: Admixed American, 0.0017%; no homozygotes.

Submission:

Labcorp Genetics (formerly Invitae), Labcorp
Classification: Uncertain significance. Last evaluated: 2023-11-27. Review status: criteria provided, single submitter. Criteria: Invitae Variant Classification Sherloc (09022015). Collection method: clinical testing. Allele origin: germline.
Comment: This sequence change replaces aspartic acid, which is acidic and polar, with asparagine, which is neutral and polar, at codon 805 of the ABCB4 protein (p.Asp805Asn). This variant is present in population databases (rs769649884, gnomAD 0.003%). This variant has not been reported in the literature in individuals affected with ABCB4-related conditions. ClinVar contains an entry for this variant (Variation ID: 1950192). Advanced modeling of protein sequence and biophysical properties (such as structural, functional, and spatial information, amino acid conservation, physicochemical variation, residue mobility, and thermodynamic stability) has been performed at Invitae for this missense variant, however the output from this modeling did not meet the statistical confidence thresholds required to predict the impact of this variant on ABCB4 protein function. Algorithms developed to predict the effect of sequence changes on RNA splicing suggest that this variant may disrupt the consensus splice site. In summary, the available evidence is currently insufficient to determine the role of this variant in disease. Therefore, it has been classified as a Variant of Uncertain Significance.